The following is an entry in ClinVar:

ClinVar aggregate classification (germline): Uncertain significance (1 of 4 stars; one submission).

Submission:

GeneDx
Classification: Uncertain significance. Last evaluated: 2025-07-19. Review status: criteria provided, single submitter. Criteria: GeneDx Variant Classification Process June 2021. Collection method: clinical testing. Allele origin: germline. Affected: yes.
Comment: Has not been previously published as pathogenic or benign to our knowledge; Not observed at significant frequency in large population cohorts (gnomAD); In silico analysis supports that this missense variant has a deleterious effect on protein structure/function

NM_181303.2(NLGN3):c.1451T>C (p.Val484Ala)

Gene: NLGN3 (neuroligin 3; plus strand). Cytogenetic location: Xq13.1.
Variant type: single nucleotide variant.
Coding change: c.1451T>C on transcript NM_181303.2 (MANE Select); coding-DNA position 1451, T replaced by C.
Protein change: p.Val484Ala; replaces valine 484 with alanine.
Molecular consequence: missense variant.
Genome position (GRCh38, 1-based): chrX:71,167,548, T>C. VCF-style: chrX-71167548-T-C. GRCh37 (hg19) VCF-style: chrX-70387398-T-C.
Other names: c.1331T>C, p.Val444Ala (NM_001166660.2); c.1040T>C, p.Val347Ala (NM_001321276.2, NM_001438298.1); c.1100T>C, p.Val367Ala (NM_001437941.1, NM_001438296.1); c.1391T>C, p.Val464Ala (NM_018977.4); short protein forms V347A, V367A, V444A, V464A, V484A.
Identifiers: ClinVar variation 4686490 (VCV004686490.1).